The following is an entry in ClinVar:

NM_006767.4(LZTR1):c.1896G>C (p.Lys632Asn)

Gene: LZTR1 (leucine zipper like post translational regulator 1; plus strand). Cytogenetic location: 22q11.21.
Variant type: single nucleotide variant.
Coding change: c.1896G>C on transcript NM_006767.4 (MANE Select); coding-DNA position 1896, G replaced by C.
Protein change: p.Lys632Asn; replaces lysine 632 with asparagine.
Molecular consequence: missense variant.
Genome position (GRCh38, 1-based): chr22:20,994,980, G>C. VCF-style: chr22-20994980-G-C. GRCh37 (hg19) VCF-style: chr22-21349269-G-C.
Other names: short protein forms K632N.
Identifiers: ClinVar variation 3238163 (VCV003238163.1), dbSNP rs2518622592.
Genomic context (GRCh38, chr22:20,994,980, plus strand): 5'-CATGATGAAGGAGTTCGAGCGCCTCTCCTCTCCACTGATAGTGGAGATTGTGCGGCGGAA[G>C]CAGCAGCCGCCCCCTCGCACTCCCTTGGACCAGCCAGTGGACATTGGTAGGGAGCCCCGT-3'
Protein context (NP_006758.2, residues 622-642): SPLIVEIVRR[Lys632Asn]QQPPPRTPLD

ClinVar aggregate classification (germline): Uncertain significance (1 of 4 stars; one submission).

Conditions:
Hereditary cancer-predisposing syndrome. Also called: Neoplastic Syndromes, Hereditary; Tumor predisposition; Hereditary neoplastic syndrome; Hereditary Cancer Syndrome. Identifiers: Orphanet 140162, MedGen C0027672, MeSH D009386, MONDO:0015356.
Cardiovascular phenotype. Identifiers: MedGen CN230736.

Submission:

Ambry Genetics
Classification: Uncertain significance for Cardiovascular phenotype; Hereditary cancer-predisposing syndrome. Last evaluated: 2023-09-23. Review status: criteria provided, single submitter. Criteria: Ambry Variant Classification Scheme 2023. Collection method: clinical testing. Allele origin: germline.
Comment: The p.K632N variant (also known as c.1896G>C), located in coding exon 16 of the LZTR1 gene, results from a G to C substitution at nucleotide position 1896. The lysine at codon 632 is replaced by asparagine, an amino acid with similar properties. This amino acid position is conserved. In addition, this alteration is predicted to be tolerated by in silico analysis. Since supporting evidence is limited at this time, the clinical significance of this alteration remains unclear.